The following is an entry in ClinVar:

NM_033026.6(PCLO):c.13247G>A (p.Arg4416His)

Gene: PCLO (piccolo presynaptic cytomatrix protein; minus strand). Cytogenetic location: 7q21.11.
Variant type: single nucleotide variant.
Coding change: c.13247G>A on transcript NM_033026.6 (MANE Select); coding-DNA position 13247, G replaced by A.
Protein change: p.Arg4416His; replaces arginine 4416 with histidine.
Molecular consequence: missense variant.
Genome position (GRCh38, 1-based): chr7:82,914,739, C>T on the plus strand (G>A on the coding strand, the complement: PCLO is on the minus strand). VCF-style: chr7-82914739-C-T. GRCh37 (hg19) VCF-style: chr7-82544055-C-T.
Other names: c.13247G>A, p.Arg4416His (NM_014510.3); c.13247G>A (NM_033026.5); short protein forms R4416H.
Identifiers: ClinVar variation 1381281 (VCV001381281.7), dbSNP rs574707412, ClinGen allele CA4319239.

ClinVar aggregate classification (germline): Uncertain significance. Review status: criteria provided, multiple submitters, no conflicts (2 of 4 stars). 2 submissions from 2 submitters: Uncertain significance (2). Last evaluated 2024-03-25.

Conditions:
Pontocerebellar hypoplasia type 3 (PCH3). Also called: PCH WITH OPTIC ATROPHY; CEREBELLAR ATROPHY WITH PROGRESSIVE MICROCEPHALY. Identifiers: Orphanet 97249, MedGen C1842687, MONDO:0011948, OMIM 608027.

Allele frequency attached by ClinVar (database versions not stated): gnomAD 0.00001; gnomAD exomes 0.00002 and 0.00004; TOPMed 0.00003; ExAC 0.00008; 1000 Genomes Project 30x 0.00016; 1000 Genomes Project 0.00020.
gnomAD v4.1: 37 of 1,613,038 alleles (0.0023%); highest among the groups gnomAD compares: Middle Eastern, 0.033%; no homozygotes.

Submissions (2):

Genomic Medicine Center of Excellence, King Faisal Specialist Hospital and Research Centre
Classification: Uncertain significance for Pontocerebellar hypoplasia type 3. Last evaluated: 2024-03-25. Review status: criteria provided, single submitter. Criteria: ACMG Guidelines, 2015. Collection method: research. Allele origin: germline.

Labcorp Genetics (formerly Invitae), Labcorp
Classification: Uncertain significance. Last evaluated: 2022-02-04. Review status: criteria provided, single submitter. Criteria: Invitae Variant Classification Sherloc (09022015). Collection method: clinical testing. Allele origin: germline.
Comment: This sequence change replaces arginine, which is basic and polar, with histidine, which is basic and polar, at codon 4416 of the PCLO protein (p.Arg4416His). This variant is present in population databases (rs574707412, gnomAD 0.05%). This variant has not been reported in the literature in individuals affected with PCLO-related conditions. Algorithms developed to predict the effect of missense changes on protein structure and function are either unavailable or do not agree on the potential impact of this missense change (SIFT: "Deleterious"; PolyPhen-2: "Not Available"; Align-GVGD: "Class C0"). In summary, the available evidence is currently insufficient to determine the role of this variant in disease. Therefore, it has been classified as a Variant of Uncertain Significance.